The following is an entry in ClinVar:

ClinVar aggregate classification (germline): Uncertain significance (1 of 4 stars; one submission).

gnomAD v4.1: 3 of 1,614,154 alleles (0.00019%); highest among the groups gnomAD compares: Admixed American, 0.005%; no homozygotes.

Submission:

Labcorp Genetics (formerly Invitae), Labcorp
Classification: Uncertain significance. Last evaluated: 2025-12-23. Review status: criteria provided, single submitter. Criteria: Invitae Variant Classification Sherloc (09022015). Collection method: clinical testing. Allele origin: germline.
Comment: This sequence change replaces isoleucine, which is neutral and non-polar, with leucine, which is neutral and non-polar, at codon 1090 of the TTC37 protein (p.Ile1090Leu). This variant is present in population databases (rs749351267, gnomAD 0.009%). This variant has not been reported in the literature in individuals affected with TTC37-related conditions. An algorithm developed to predict the effect of missense changes on protein structure and function (PolyPhen-2) suggests that this variant is likely to be tolerated. In summary, the available evidence is currently insufficient to determine the role of this variant in disease. Therefore, it has been classified as a Variant of Uncertain Significance.

NM_014639.4(SKIC3):c.3268A>C (p.Ile1090Leu)

Gene: SKIC3 (SKI3 subunit of superkiller complex; minus strand). Cytogenetic location: 5q15.
Variant type: single nucleotide variant.
Coding change: c.3268A>C on transcript NM_014639.4 (MANE Select); coding-DNA position 3268, A replaced by C.
Protein change: p.Ile1090Leu; replaces isoleucine 1090 with leucine.
Molecular consequence: missense variant.
Genome position (GRCh38, 1-based): chr5:95,502,953, T>G on the plus strand (A>C on the coding strand, the complement: SKIC3 is on the minus strand). VCF-style: chr5-95502953-T-G. GRCh37 (hg19) VCF-style: chr5-94838657-T-G.
Other names: short protein forms I1090L.
Identifiers: ClinVar variation 4698654 (VCV004698654.1).